The following is an entry in ClinVar:

NM_018060.4(IARS2):c.950+214A>G

Gene: IARS2 (isoleucyl-tRNA synthetase 2, mitochondrial; plus strand). Cytogenetic location: 1q41.
Variant type: single nucleotide variant.
Coding change: c.950+214A>G on transcript NM_018060.4 (MANE Select); 214 bases into the intron after coding-DNA position 950, A replaced by G.
Molecular consequence: intron variant.
Genome position (GRCh38, 1-based): chr1:220,102,991, A>G. VCF-style: chr1-220102991-A-G. GRCh37 (hg19) VCF-style: chr1-220276333-A-G.
Identifiers: ClinVar variation 680611 (VCV000680611.1), dbSNP rs2789789, ClinGen allele CA10752614.

ClinVar aggregate classification (germline): Benign (1 of 4 stars; one submission).

Allele frequency attached by ClinVar (database versions not stated): gnomAD 0.46798 and 0.46839; TOPMed 0.48421; 1000 Genomes Project 0.51458; 1000 Genomes Project 30x 0.51827.
gnomAD v4.1: 70,921 of 151,968 alleles (47%); highest among the groups gnomAD compares: African/African-American, 64%; 17,711 homozygotes.

Submission:

GeneDx
Classification: Benign. Last evaluated: 2018-06-14. Review status: criteria provided, single submitter. Criteria: GeneDx Variant Classification (06012015). Collection method: clinical testing. Allele origin: germline. Affected: yes.
Comment: This variant is considered likely benign or benign based on one or more of the following criteria: it is a conservative change, it occurs at a poorly conserved position in the protein, it is predicted to be benign by multiple in silico algorithms, and/or has population frequency not consistent with disease.